The following is an entry in ClinVar:

NM_007131.5(ZNF75D):c.366C>T (p.Val122=)

Gene: ZNF75D (zinc finger protein 75D; minus strand). Cytogenetic location: Xq26.3.
Variant type: single nucleotide variant.
Coding change: c.366C>T on transcript NM_007131.5 (MANE Select); coding-DNA position 366, C replaced by T.
Protein change: p.Val122=; no amino-acid change (valine 122 retained).
Molecular consequence: synonymous variant.
Genome position (GRCh38, 1-based): chrX:135,293,775, G>A on the plus strand (C>T on the coding strand, the complement: ZNF75D is on the minus strand). VCF-style: chrX-135293775-G-A. GRCh37 (hg19) VCF-style: chrX-134427701-G-A.
Other names: c.366C>T, p.Val122= (NM_001185063.2).
Identifiers: ClinVar variation 2661486 (VCV002661486.24), dbSNP rs2520623073, ClinGen allele CA518701137.
Genomic context (GRCh38, chrX:135,293,775, plus strand): 5'-AATCTTTCTTCTTACCTCATTCTTTGTTCCATCAGGCTCCCTCTGCAAGAATTCCACCAG[G>A]ACCAGAGCCTGTTTGACATTCTGTGGATGATGCTTCTGCACCCAGTTCTGGGTCTCCTTG-3'
Protein context (NP_009062.2, residues 112-132): HHPQNVKQAL[Val122=]LVEFLQREPD

ClinVar aggregate classification (germline): Likely benign (1 of 4 stars; one submission).

Submission:

CeGaT Center for Human Genetics Tuebingen
Classification: Likely benign. Last evaluated: 2022-11-01. Review status: criteria provided, single submitter. Criteria: CeGaT Center For Human Genetics Tuebingen Variant Classification Criteria Version 2. Collection method: clinical testing. Allele origin: germline. Affected: yes. Observed: 1 variant allele.
Comment: ZNF75D: PM2:Supporting, BP4, BP7